The following is an entry in ClinVar:

NM_002303.6(LEPR):c.1246C>T (p.His416Tyr)

Gene: LEPR (leptin receptor; plus strand). Cytogenetic location: 1p31.3.
Variant type: single nucleotide variant.
Coding change: c.1246C>T on transcript NM_002303.6 (MANE Select); coding-DNA position 1246, C replaced by T.
Protein change: p.His416Tyr; replaces histidine 416 with tyrosine.
Molecular consequence: missense variant.
Genome position (GRCh38, 1-based): chr1:65,601,643, C>T. VCF-style: chr1-65601643-C-T. GRCh37 (hg19) VCF-style: chr1-66067326-C-T.
Other names: c.1246C>T, p.His416Tyr (NM_001003679.3, NM_001003680.3, NM_001198687.2 and 2 more transcripts); short protein forms H416Y.
Identifiers: ClinVar variation 297993 (VCV000297993.17), dbSNP rs144710810, ClinGen allele CA894749.
Genomic context (GRCh38, chr1:65,601,643, plus strand): 5'-CTGAATGAAACCAAACCTCGAGGAAAGTTTACCTATGATGCAGTGTACTGCTGCAATGAA[C>T]ATGAATGCCATCATCGCTATGCTGAATTATATGTGATTGGTAAGAAAACAGAGGTTTTGT-3'
Protein context (NP_002294.2, residues 406-426): TYDAVYCCNE[His416Tyr]ECHHRYAELY

ClinVar aggregate classification (germline): Conflicting classifications of pathogenicity. Review status: criteria provided, conflicting classifications (1 of 4 stars). 4 submissions from 4 submitters: Uncertain significance (1); Likely benign (1). 2 of the submissions do not count toward it. Last evaluated 2026-04-26.

Conditions:
LEPR-related disorder. Also called: LEPR-related condition; LEPR-related disorders.

Allele frequency attached by ClinVar (database versions not stated): 1000 Genomes Project 30x 0.00016; 1000 Genomes Project 0.00020; ExAC 0.00027; gnomAD exomes 0.00030 and 0.00062; TOPMed 0.00042; gnomAD 0.00043 and 0.00044; ESP Exome Variant Server 0.00046.
gnomAD v4.1: 961 of 1,613,648 alleles (0.06%); highest among the groups gnomAD compares: Non-Finnish European, 0.076%; no homozygotes.

Submissions (4):

PreventionGenetics, part of Exact Sciences
Classification: Uncertain significance for LEPR-related condition. Last evaluated: 2026-04-26. Review status: criteria provided, single submitter. Criteria: ACMG Guidelines, 2015. Collection method: clinical testing. Allele origin: germline.
Comment: The LEPR c.1246C>T variant is predicted to result in the amino acid substitution p.His416Tyr. This variant has been reported in one individual with obesity (Nordang et al. 2017. PubMed ID: 28377240). This variant was also observed in a cohort of individuals with obesity; however, in vitro functional studies showed no significant difference compared to the control (Supplemental Data Set, Shah et al. 2023. PubMed ID: 36864747). This variant is reported in 0.056% of alleles in individuals of European (Non-Finnish) descent in gnomAD. Although we suspect that this variant may be benign, at this time, the clinical significance of this variant is uncertain due to the absence of conclusive functional and genetic evidence.

Labcorp Genetics (formerly Invitae), Labcorp
Classification: Likely benign. Last evaluated: 2025-02-25. Review status: criteria provided, single submitter. Criteria: Invitae Variant Classification Sherloc (09022015). Collection method: clinical testing. Allele origin: germline.

Clinical Genetics DNA and cytogenetics Diagnostics Lab, Erasmus MC, Erasmus Medical Center
Classification: Likely benign. Review status: no assertion criteria provided. Collection method: clinical testing. Allele origin: germline. Affected: yes. Study: VKGL Data-share Consensus. Not counted in ClinVar's aggregate classification.

Genome Diagnostics Laboratory, University Medical Center Utrecht
Classification: Likely benign. Review status: no assertion criteria provided. Collection method: clinical testing. Allele origin: germline. Affected: yes. Study: VKGL Data-share Consensus. Not counted in ClinVar's aggregate classification.